The following is an entry in ClinVar:

ClinVar aggregate classification (germline): Pathogenic (1 of 4 stars; one submission).

Conditions:
Osteogenesis imperfecta type I (OI1). Also called: Osteogenesis imperfecta type 1; OI, TYPE I; OSTEOGENESIS IMPERFECTA TARDA; OSTEOGENESIS IMPERFECTA WITH BLUE SCLERAE; Lobstein's Disease; Lobstein disease. Identifiers: Orphanet 216796, Orphanet 666, MedGen C0023931, MONDO:0008146, OMIM 166200. Disease mechanism: loss of function.

Submission:

Labcorp Genetics (formerly Invitae), Labcorp
Classification: Pathogenic for Osteogenesis imperfecta type I. Last evaluated: 2017-09-10. Review status: criteria provided, single submitter. Criteria: Invitae Variant Classification Sherloc (09022015). Collection method: clinical testing. Allele origin: germline.
Comment: For these reasons, this variant has been classified as Pathogenic. Loss-of-function variants in COL1A1 are known to be pathogenic (PMID: 7942841, 9295084, 9443882). This variant has been reported in several individuals affected with osteogenesis imperfecta (PMID: 23529829, LOVD). This variant is not present in population databases (ExAC no frequency). This sequence change creates a premature translational stop signal (p.Gln367*) in the COL1A1 gene. It is expected to result in an absent or disrupted protein product.

Literature cited by the submitters: PubMed 7942841; PubMed 9295084; PubMed 9443882; PubMed 23529829.

NM_000088.4(COL1A1):c.1099C>T (p.Gln367Ter)

Gene: COL1A1 (collagen type I alpha 1 chain; minus strand). Cytogenetic location: 17q21.33.
Variant type: single nucleotide variant.
Coding change: c.1099C>T on transcript NM_000088.4 (MANE Select); coding-DNA position 1099, C replaced by T.
Protein change: p.Gln367Ter; replaces glutamine 367 with a stop codon.
Molecular consequence: nonsense.
Genome position (GRCh38, 1-based): chr17:50,195,623, G>A on the plus strand (C>T on the coding strand, the complement: COL1A1 is on the minus strand). VCF-style: chr17-50195623-G-A. GRCh37 (hg19) VCF-style: chr17-48272984-G-A.
Other names: short protein forms Q367*.
Identifiers: ClinVar variation 526849 (VCV000526849.9), dbSNP rs1555574158, ClinGen allele CA400219983.